The following is an entry in ClinVar:

ClinVar aggregate classification (germline): Uncertain significance (1 of 4 stars; one submission).

Conditions:
Chondrodysplasia punctata, brachytelephalangic, autosomal. Also called: BRACHYTELEPHALANGIC CHONDRODYSPLASIA PUNCTATA. Identifiers: MedGen C1844853, MONDO:0011238, OMIM 602497.

Allele frequency attached by ClinVar (database versions not stated): ExAC 0.00001; TOPMed 0.00002; gnomAD 0.00003.

Submission:

Labcorp Genetics (formerly Invitae), Labcorp
Classification: Uncertain significance for Chondrodysplasia punctata, brachytelephalangic, autosomal. Last evaluated: 2024-08-05. Review status: criteria provided, single submitter. Criteria: Invitae Variant Classification Sherloc (09022015). Collection method: clinical testing. Allele origin: germline.
Comment: This sequence change replaces valine, which is neutral and non-polar, with leucine, which is neutral and non-polar, at codon 426 of the ARSE protein (p.Val426Leu). This variant is present in population databases (rs768735666, gnomAD 0.02%). This variant has not been reported in the literature in individuals affected with ARSE-related conditions. An algorithm developed to predict the effect of missense changes on protein structure and function outputs the following: PolyPhen-2: "Benign". The leucine amino acid residue is found in multiple mammalian species, which suggests that this missense change does not adversely affect protein function. In summary, the available evidence is currently insufficient to determine the role of this variant in disease. Therefore, it has been classified as a Variant of Uncertain Significance.

NM_000047.3(ARSL):c.1276G>T (p.Val426Leu)

Gene: ARSL (arylsulfatase L; minus strand). Cytogenetic location: Xp22.33.
Variant type: single nucleotide variant.
Coding change: c.1276G>T on transcript NM_000047.3 (MANE Select); coding-DNA position 1276, G replaced by T.
Protein change: p.Val426Leu; replaces valine 426 with leucine.
Molecular consequence: missense variant.
Genome position (GRCh38, 1-based): chrX:2,938,108, C>A on the plus strand (G>T on the coding strand, the complement: ARSL is on the minus strand). VCF-style: chrX-2938108-C-A. GRCh37 (hg19) VCF-style: chrX-2856149-C-A.
Other names: c.1351G>T, p.Val451Leu (NM_001282628.2, NM_001369080.1); c.1114G>T, p.Val372Leu (NM_001282631.2); c.1303G>T, p.Val435Leu (NM_001369079.1); short protein forms V372L, V451L, V426L, V435L.
Identifiers: ClinVar variation 2998707 (VCV002998707.3), dbSNP rs768735666, ClinGen allele CA10338034.
Genomic context (GRCh38, chrX:2,938,108, plus strand): 5'-TGCTGTGTCTGTGCAAAGCTGAATTGTTTCTTTGGGTTGTTCTGTACCTGTCCTGGGGCA[C>A]CTCGCCGCCCGCCAGCCGGACCACGGTGGGGAACACGTCCATCAGACTCGTGGGCTCGCC-3'
Protein context (NP_000038.2, residues 416-436): PTVVRLAGGE[Val426Leu]PQDRVIDGQD